The following is an entry in ClinVar:

ClinVar aggregate classification (germline): Uncertain significance (1 of 4 stars; one submission).

Conditions:
DICER1-related tumor predisposition. Also called: DICER1 syndrome; DICER1-related pleuropulmonary blastoma cancer predisposition syndrome. Identifiers: Orphanet 284343, MedGen C3839822, MONDO:0100216.

Submission:

Labcorp Genetics (formerly Invitae), Labcorp
Classification: Uncertain significance for DICER1-related tumor predisposition. Last evaluated: 2020-10-09. Review status: criteria provided, single submitter. Criteria: Invitae Variant Classification Sherloc (09022015). Collection method: clinical testing. Allele origin: germline.
Comment: This sequence change replaces leucine with isoleucine at codon 1704 of the DICER1 protein (p.Leu1704Ile). The leucine residue is highly conserved and there is a small physicochemical difference between leucine and isoleucine. This variant is not present in population databases (ExAC no frequency). In summary, the available evidence is currently insufficient to determine the role of this variant in disease. Therefore, it has been classified as a Variant of Uncertain Significance. Algorithms developed to predict the effect of missense changes on protein structure and function are either unavailable or do not agree on the potential impact of this missense change (SIFT: "Deleterious"; PolyPhen-2: "Possibly Damaging"; Align-GVGD: "Class C0"). This variant has not been reported in the literature in individuals with DICER1-related conditions.

NM_177438.3(DICER1):c.5110T>A (p.Leu1704Ile)

Gene: DICER1 (dicer 1, ribonuclease III; minus strand). Cytogenetic location: 14q32.13.
Variant type: single nucleotide variant.
Coding change: c.5110T>A on transcript NM_177438.3 (MANE Select); coding-DNA position 5110, T replaced by A.
Protein change: p.Leu1704Ile; replaces leucine 1704 with isoleucine.
Molecular consequence: missense variant.
Genome position (GRCh38, 1-based): chr14:95,094,142, A>T on the plus strand (T>A on the coding strand, the complement: DICER1 is on the minus strand). VCF-style: chr14-95094142-A-T. GRCh37 (hg19) VCF-style: chr14-95560479-A-T.
Other names: c.5110T>A, p.Leu1704Ile (NM_001195573.1, NM_001271282.3, NM_001291628.2 and 1 more transcripts); short protein forms L1704I.
Identifiers: ClinVar variation 1004372 (VCV001004372.10), dbSNP rs1890102272, ClinGen allele CA390865428.